The following is an entry in ClinVar:

NM_000540.3(RYR1):c.13747-13G>A

Gene: RYR1 (ryanodine receptor 1; plus strand). Cytogenetic location: 19q13.2.
Variant type: single nucleotide variant.
Coding change: c.13747-13G>A on transcript NM_000540.3 (MANE Select); 13 bases into the intron before coding-DNA position 13747, G replaced by A.
Molecular consequence: intron variant.
Genome position (GRCh38, 1-based): chr19:38,572,006, G>A. VCF-style: chr19-38572006-G-A. GRCh37 (hg19) VCF-style: chr19-39062646-G-A.
Other names: c.13732-13G>A (NM_001042723.2).
Identifiers: ClinVar variation 2691493 (VCV002691493.4), dbSNP rs2514711889, ClinGen allele CA2697556504.
Genomic context (GRCh38, chr19:38,572,006, plus strand): 5'-GAATGGAGGCTCAATTTTGTGAGTGGGCTCTGCATGTGGCAGACCCACAGATGAATCTCT[G>A]TCCCCATTTCAGGTCTCAGACTCTCCACCAGGGGAGGACGACATGGAAGGCTCAGCTGCT-3'

ClinVar aggregate classification (germline): Likely benign. Review status: criteria provided, multiple submitters, no conflicts (2 of 4 stars). 2 submissions from 2 submitters: Likely benign (2). Last evaluated 2026-01-19.

Conditions:
RYR1-related disorder. Also called: RYR1-related condition; RYR1-related disorders. Identifiers: MedGen CN239331.

Submissions (2):

Labcorp Genetics (formerly Invitae), Labcorp
Classification: Likely benign for RYR1-related disorder. Last evaluated: 2026-01-19. Review status: criteria provided, single submitter. Criteria: Invitae Variant Classification Sherloc (09022015). Collection method: clinical testing. Allele origin: germline.

Women's Health and Genetics/Laboratory Corporation of America, LabCorp
Classification: Likely benign. Last evaluated: 2023-12-07. Review status: criteria provided, single submitter. Criteria: LabCorp Variant Classification Summary - May 2015. Collection method: clinical testing. Allele origin: germline.
Comment: Variant summary: RYR1 c.13747-13G>A alters a nucleotide located at a position not widely known to affect splicing. Consensus agreement among computation tools predict no significant impact on normal splicing. However, these predictions have yet to be confirmed by functional studies. The variant was absent in 251030 control chromosomes (gnomAD). The available data on variant occurrences in the general population are insufficient to allow any conclusion about variant significance. To our knowledge, no occurrence of c.13747-13G>A in individuals affected with Myopathy, RYR1-Associated and no experimental evidence demonstrating its impact on protein function have been reported. No submitters have cited clinical-significance assessments for this variant to ClinVar after 2014. Based on the evidence outlined above, the variant was classified as likely benign.